The following is an entry in ClinVar:

NM_001148.6(ANK2):c.1746C>T (p.Leu582=)

Gene: ANK2 (ankyrin 2; plus strand). Cytogenetic location: 4q26.
Variant type: single nucleotide variant.
Coding change: c.1746C>T on transcript NM_001148.6 (MANE Select); coding-DNA position 1746, C replaced by T.
Protein change: p.Leu582=; no amino-acid change (leucine 582 retained).
Molecular consequence: synonymous variant.
Genome position (GRCh38, 1-based): chr4:113,277,899, C>T. VCF-style: chr4-113277899-C-T. GRCh37 (hg19) VCF-style: chr4-114199055-C-T.
Other names: c.1683C>T, p.Leu561= (NM_001127493.3, NM_001354239.2, NM_001354243.2 and 14 more transcripts); c.1746C>T, p.Leu582= (NM_001354225.2, NM_001354228.2, NM_001354232.2 and 8 more transcripts); c.1791C>T, p.Leu597= (NM_001354230.2, NM_001354231.2, NM_001354237.2 and 5 more transcripts); c.1659C>T, p.Leu553= (NM_001354249.2, NM_001354260.2, NM_001354264.2 and 13 more transcripts); c.1704C>T, p.Leu568= (NM_001354261.2, NM_001386147.1, NM_001386160.1); c.1536C>T, p.Leu512= (NM_001354269.3); c.1548C>T, p.Leu516= (NM_001354273.2); c.1461C>T, p.Leu487= (NM_001354277.2, NM_001386157.1, NM_001386158.1); and 4 more.
Identifiers: ClinVar variation 386222 (VCV000386222.1), dbSNP rs1057522455, ClinGen allele CA16604658.

ClinVar aggregate classification (germline): Likely benign (1 of 4 stars; one submission).

Submission:

GeneDx
Classification: Likely benign. Last evaluated: 2016-05-16. Review status: criteria provided, single submitter. Criteria: GeneDx Variant Classification (06012015). Collection method: clinical testing. Allele origin: germline. Affected: yes.
Comment: This variant is considered likely benign or benign based on one or more of the following criteria: it is a conservative change, it occurs at a poorly conserved position in the protein, it is predicted to be benign by multiple in silico algorithms, and/or has population frequency not consistent with disease.